The following is an entry in ClinVar:

NM_001267550.2(TTN):c.11311+284G>A

Gene: TTN (titin; minus strand). Cytogenetic location: 2q31.2.
Variant type: single nucleotide variant.
Coding change: c.11311+284G>A on transcript NM_001267550.2 (MANE Select); 284 bases into the intron after coding-DNA position 11311, G replaced by A.
Molecular consequence: intron variant.
Genome position (GRCh38, 1-based): chr2:178,752,840, C>T on the plus strand (G>A on the coding strand, the complement: TTN is on the minus strand). VCF-style: chr2-178752840-C-T. GRCh37 (hg19) VCF-style: chr2-179617567-C-T.
Other names: c.10360+284G>A (NM_001256850.1, NM_133378.4, NM_133379.5); c.10222+284G>A (NM_003319.4); c.10798+284G>A (NM_133437.4); c.10597+284G>A (NM_133432.3).
Identifiers: ClinVar variation 680821 (VCV000680821.1), dbSNP rs7590886, ClinGen allele CA60991864.

ClinVar aggregate classification (germline): Benign (1 of 4 stars; one submission).

Allele frequency attached by ClinVar (database versions not stated): gnomAD 0.99876 and 0.99887; TOPMed 0.99877; 1000 Genomes Project 30x 0.99891; 1000 Genomes Project 0.99900.
gnomAD v4.1: 152,009 of 152,180 alleles (100%); highest among the groups gnomAD compares: Non-Finnish European, 100%; 75,919 homozygotes.

Submission:

GeneDx
Classification: Benign. Last evaluated: 2018-06-14. Review status: criteria provided, single submitter. Criteria: GeneDx Variant Classification (06012015). Collection method: clinical testing. Allele origin: germline. Affected: yes.
Comment: This variant is considered likely benign or benign based on one or more of the following criteria: it is a conservative change, it occurs at a poorly conserved position in the protein, it is predicted to be benign by multiple in silico algorithms, and/or has population frequency not consistent with disease.